The following is an entry in ClinVar:

ClinVar aggregate classification (germline): Uncertain significance. Review status: criteria provided, multiple submitters, no conflicts (2 of 4 stars). 2 submissions from 2 submitters: Uncertain significance (2). Last evaluated 2023-12-18.

Conditions:
Autosomal dominant centronuclear myopathy. Also called: MYOTUBULAR MYOPATHY, AUTOSOMAL DOMINANT; Myopathy, centronuclear, 3. Identifiers: Orphanet 169189, MedGen C4551952, MeSH D020914, MONDO:0008048, OMIM 160150.

Allele frequency attached by ClinVar (database versions not stated): gnomAD exomes below 0.00001 and 0.00001; gnomAD 0.00003 and 0.00004; TOPMed 0.00005.

Submissions (2):

Ambry Genetics
Classification: Uncertain significance. Last evaluated: 2023-12-18. Review status: criteria provided, single submitter. Criteria: Ambry Variant Classification Scheme 2023. Collection method: clinical testing. Allele origin: germline.

Labcorp Genetics (formerly Invitae), Labcorp
Classification: Uncertain significance for Autosomal dominant centronuclear myopathy. Last evaluated: 2019-11-29. Review status: criteria provided, single submitter. Criteria: Invitae Variant Classification Sherloc (09022015). Collection method: clinical testing. Allele origin: germline.
Comment: In summary, the available evidence is currently insufficient to determine the role of this variant in disease. Therefore, it has been classified as a Variant of Uncertain Significance. Algorithms developed to predict the effect of missense changes on protein structure and function are either unavailable or do not agree on the potential impact of this missense change (SIFT: "Tolerated"; PolyPhen-2: "Probably Damaging"; Align-GVGD: "Class C0"). This variant has not been reported in the literature in individuals with MYF6-related conditions. This variant is not present in population databases (ExAC no frequency). This sequence change replaces proline with serine at codon 74 of the MYF6 protein (p.Pro74Ser). The proline residue is moderately conserved and there is a moderate physicochemical difference between proline and serine.

NM_002469.3(MYF6):c.220C>T (p.Pro74Ser)

Gene: MYF6 (myogenic factor 6; plus strand). Cytogenetic location: 12q21.31.
Variant type: single nucleotide variant.
Coding change: c.220C>T on transcript NM_002469.3 (MANE Select); coding-DNA position 220, C replaced by T.
Protein change: p.Pro74Ser; replaces proline 74 with serine.
Molecular consequence: missense variant.
Genome position (GRCh38, 1-based): chr12:80,707,939, C>T. VCF-style: chr12-80707939-C-T. GRCh37 (hg19) VCF-style: chr12-81101718-C-T.
Other names: short protein forms P74S.
Identifiers: ClinVar variation 853679 (VCV000853679.12), dbSNP rs996997577, ClinGen allele CA240237107.